The following is an entry in ClinVar:

NM_002485.5(NBN):c.2122C>T (p.Leu708=)

Gene: NBN (nibrin; minus strand). Cytogenetic location: 8q21.3.
Variant type: single nucleotide variant.
Coding change: c.2122C>T on transcript NM_002485.5 (MANE Select); coding-DNA position 2122, C replaced by T.
Protein change: p.Leu708=; no amino-acid change (leucine 708 retained).
Molecular consequence: synonymous variant.
Genome position (GRCh38, 1-based): chr8:89,943,315, G>A on the plus strand (C>T on the coding strand, the complement: NBN is on the minus strand). VCF-style: chr8-89943315-G-A. GRCh37 (hg19) VCF-style: chr8-90955543-G-A.
Other names: c.1876C>T, p.Leu626= (NM_001024688.3).
Identifiers: ClinVar variation 385201 (VCV000385201.13), dbSNP rs756580887, ClinGen allele CA16605267.
Genomic context (GRCh38, chr8:89,943,315, plus strand): 5'-CCATTTCCTGCCTTAGCCACTCTTCTAGTTCTGTATTCTTTCGAGCATGATGAGCTATTA[G>A]ATCTGATCCTCCAATGATGTGTGGAAGTTTTCCTGCTCCAGGATATGTGACCTATTGAAT-3'
Protein context (NP_002476.2, residues 698-718): KLPHIIGGSD[Leu708=]IAHHARKNTE

ClinVar aggregate classification (germline): Likely benign. Review status: criteria provided, multiple submitters, no conflicts (2 of 4 stars). 3 submissions from 3 submitters: Likely benign (3). Last evaluated 2022-06-14.

Conditions:
Hereditary cancer-predisposing syndrome. Also called: Neoplastic Syndromes, Hereditary; Hereditary neoplastic syndrome; Tumor predisposition; Hereditary Cancer Syndrome. Identifiers: Orphanet 140162, MedGen C0027672, MeSH D009386, MONDO:0015356.
Microcephaly, normal intelligence and immunodeficiency (NBS). Also called: BERLIN BREAKAGE SYNDROME; Immunodeficiency, microcephaly with normal intelligence; Nijmegen breakage syndrome; Microcephaly with normal intelligence immunodeficiency and lymphoreticular malignancies; Nonsyndromal microcephaly autosomal recessive with normal intelligence; Seemanova syndrome 2. Identifiers: Orphanet 647, MedGen C0398791, MONDO:0009623, OMIM 251260.

gnomAD v4.1: 2 of 1,612,458 alleles (0.00012%); highest among the groups gnomAD compares: African/African-American, 0.0027%; no homozygotes.

Submissions (3):

Labcorp Genetics (formerly Invitae), Labcorp
Classification: Likely benign for Microcephaly, normal intelligence and immunodeficiency. Last evaluated: 2022-06-14. Review status: criteria provided, single submitter. Criteria: Invitae Variant Classification Sherloc (09022015). Collection method: clinical testing. Allele origin: germline.

Ambry Genetics
Classification: Likely benign for Hereditary cancer-predisposing syndrome. Last evaluated: 2019-05-13. Review status: criteria provided, single submitter. Criteria: Ambry Variant Classification Scheme 2023. Collection method: clinical testing. Allele origin: germline.

GeneDx
Classification: Likely benign. Last evaluated: 2016-03-30. Review status: criteria provided, single submitter. Criteria: GeneDx Variant Classification (06012015). Collection method: clinical testing. Allele origin: germline. Affected: yes.
Comment: This variant is considered likely benign or benign based on one or more of the following criteria: it is a conservative change, it occurs at a poorly conserved position in the protein, it is predicted to be benign by multiple in silico algorithms, and/or has population frequency not consistent with disease.